The following is an entry in ClinVar:

ClinVar aggregate classification (germline): Uncertain significance. Review status: criteria provided, multiple submitters, no conflicts (2 of 4 stars). 2 submissions from 2 submitters: Uncertain significance (2). Last evaluated 2025-03-29.

Allele frequency attached by ClinVar (database versions not stated): gnomAD exomes below 0.00001; ExAC 0.00001.
gnomAD v4.1: 2 of 1,614,260 alleles (0.00012%); highest among the groups gnomAD compares: Non-Finnish European, 0.000085%; no homozygotes.

Submissions (2):

Labcorp Genetics (formerly Invitae), Labcorp
Classification: Uncertain significance. Last evaluated: 2025-03-29. Review status: criteria provided, single submitter. Criteria: Invitae Variant Classification Sherloc (09022015). Collection method: clinical testing. Allele origin: germline.
Comment: This sequence change replaces glutamic acid, which is acidic and polar, with lysine, which is basic and polar, at codon 909 of the FUK protein (p.Glu909Lys). This variant is present in population databases (rs748975276, gnomAD 0.0009%). This variant has not been reported in the literature in individuals affected with FUK-related conditions. ClinVar contains an entry for this variant (Variation ID: 3094288). An algorithm developed to predict the effect of missense changes on protein structure and function (PolyPhen-2) suggests that this variant is likely to be tolerated. In summary, the available evidence is currently insufficient to determine the role of this variant in disease. Therefore, it has been classified as a Variant of Uncertain Significance.

Ambry Genetics
Classification: Uncertain significance. Last evaluated: 2023-11-03. Review status: criteria provided, single submitter. Criteria: Ambry Variant Classification Scheme 2023. Collection method: clinical testing. Allele origin: germline.

NM_145059.3(FCSK):c.2725G>A (p.Glu909Lys)

Gene: FCSK (fucose kinase; plus strand). Cytogenetic location: 16q22.1.
Variant type: single nucleotide variant.
Coding change: c.2725G>A on transcript NM_145059.3 (MANE Select); coding-DNA position 2725, G replaced by A.
Protein change: p.Glu909Lys; replaces glutamic acid 909 with lysine.
Molecular consequence: missense variant.
Genome position (GRCh38, 1-based): chr16:70,478,355, G>A. VCF-style: chr16-70478355-G-A. GRCh37 (hg19) VCF-style: chr16-70512258-G-A.
Other names: short protein forms E909K.
Identifiers: ClinVar variation 3094288 (VCV003094288.3), dbSNP rs748975276, ClinGen allele CA8143721.